The following is an entry in ClinVar:

NM_005499.3(UBA2):c.34G>T (p.Ala12Ser)

Genes: UBA2 (ubiquitin like modifier activating enzyme 2; plus strand), LOC130064190 (ATAC-STARR-seq lymphoblastoid silent region 10502; plus strand). Cytogenetic location: 19q13.11.
Variant type: single nucleotide variant.
Coding change: c.34G>T on transcript NM_005499.3 (MANE Select); coding-DNA position 34, G replaced by T.
Protein change: p.Ala12Ser; replaces alanine 12 with serine.
Molecular consequence: missense variant. On other transcripts: 5 prime UTR variant (1).
Genome position (GRCh38, 1-based): chr19:34,428,466, G>T. VCF-style: chr19-34428466-G-T. GRCh37 (hg19) VCF-style: chr19-34919371-G-T.
Other names: c.-349G>T (NM_001411139.1); short protein forms A12S.
Identifiers: ClinVar variation 4529610 (VCV004529610.1).
Genomic context (GRCh38, chr19:34,428,466, plus strand): 5'-TCCGCCGCGGCTCGTGGTTGTCCCGCCATGGCACTGTCGCGGGGGCTGCCCCGGGAGCTG[G>T]CTGAGGCGGTGGCCGGGGGCCGGGTGCTGGTGGTGGGGGCGGGCGGCATCGGCTGCGAGC-3'
Protein context (NP_005490.1, residues 2-22): ALSRGLPREL[Ala12Ser]EAVAGGRVLV

ClinVar aggregate classification (germline): Uncertain significance (1 of 4 stars; one submission).

gnomAD v4.1: 2 of 1,288,702 alleles (0.00016%); highest among the groups gnomAD compares: Non-Finnish European, 0.0002%; no homozygotes.

Submission:

GeneDx
Classification: Uncertain significance. Last evaluated: 2025-05-15. Review status: criteria provided, single submitter. Criteria: GeneDx Variant Classification Process June 2021. Collection method: clinical testing. Allele origin: germline. Affected: yes.
Comment: Not observed at significant frequency in large population cohorts (gnomAD); In silico analysis suggests that this missense variant does not alter protein structure/function; Has not been previously published as pathogenic or benign to our knowledge